The following is an entry in ClinVar:

NM_001308093.3(GATA4):c.598G>A (p.Ala200Thr)

Gene: GATA4 (GATA binding protein 4). Cytogenetic location: 8p23.1.
Variant type: single nucleotide variant.
Coding change: c.598G>A on transcript NM_001308093.3 (MANE Select); coding-DNA position 598, G replaced by A.
Protein change: p.Ala200Thr; replaces alanine 200 with threonine.
Molecular consequence: missense variant. On other transcripts: intron variant (3).
Genome position (GRCh38, 1-based): chr8:11,708,910, G>A. VCF-style: chr8-11708910-G-A. GRCh37 (hg19) VCF-style: chr8-11566419-G-A.
Other names: c.598G>A, p.Ala200Thr (NM_002052.5); c.-6+8132G>A (NM_001308094.2); c.-3+896G>A (NM_001374274.1); c.-3+4606G>A (NM_001374273.1); short protein forms A200T.
Identifiers: ClinVar variation 1750894 (VCV001750894.2), dbSNP rs1323823544, ClinGen allele CA370309963.

ClinVar aggregate classification (germline): Uncertain significance (1 of 4 stars; one submission).

Conditions:
Cardiovascular phenotype. Identifiers: MedGen CN230736.

gnomAD v4.1: 1 of 1,527,260 alleles (0.000065%); highest among the groups gnomAD compares: Non-Finnish European, 0.000087%; no homozygotes.

Submission:

Ambry Genetics
Classification: Uncertain significance for Cardiovascular phenotype. Last evaluated: 2022-10-23. Review status: criteria provided, single submitter. Criteria: Ambry Variant Classification Scheme 2023. Collection method: clinical testing. Allele origin: germline.
Comment: The p.A200T variant (also known as c.598G>A), located in coding exon 1 of the GATA4 gene, results from a G to A substitution at nucleotide position 598. The alanine at codon 200 is replaced by threonine, an amino acid with similar properties. This amino acid position is conserved. In addition, this alteration is predicted to be tolerated by in silico analysis. Since supporting evidence is limited at this time, the clinical significance of this alteration remains unclear.